The following is an entry in ClinVar:

ClinVar aggregate classification (germline): Likely pathogenic (1 of 4 stars; one submission).

Conditions:
Dilated cardiomyopathy 1G (CMD1G). Identifiers: Orphanet 154, MedGen C1858763, MONDO:0011400, OMIM 604145.
Autosomal recessive limb-girdle muscular dystrophy type 2J (LGMDR10). Also called: Limb-girdle muscular dystrophy, type 2J; MUSCULAR DYSTROPHY, LIMB-GIRDLE, AUTOSOMAL RECESSIVE 10. Identifiers: Orphanet 140922, MedGen C1837342, MONDO:0012127, OMIM 608807.

Submission:

Labcorp Genetics (formerly Invitae), Labcorp
Classification: Likely pathogenic for Dilated cardiomyopathy 1G; Autosomal recessive limb-girdle muscular dystrophy type 2J. Last evaluated: 2022-09-22. Review status: criteria provided, single submitter. Criteria: Invitae Variant Classification Sherloc (09022015). Collection method: clinical testing. Allele origin: germline.
Comment: This variant is not present in population databases (gnomAD no frequency). This variant has not been reported in the literature in individuals affected with TTN-related conditions. This variant is located in the A band of TTN (PMID: 25589632). Truncating variants in this region are significantly overrepresented in patients affected with dilated cardiomyopathy (PMID: 25589632). Truncating variants in this region have also been reported in individuals affected with autosomal recessive centronuclear myopathy (PMID: 23975875). In summary, the currently available evidence indicates that the variant is pathogenic, but additional data are needed to prove that conclusively. Therefore, this variant has been classified as Likely Pathogenic. This sequence change creates a premature translational stop signal (p.Tyr20306*) in the TTN gene. While this is not anticipated to result in nonsense mediated decay, it is expected to create a truncated TTN protein.

Literature cited by the submitters: PubMed 25589632; PubMed 23975875.

NM_001267550.2(TTN):c.60918C>G (p.Tyr20306Ter)

Genes: TTN (titin; minus strand), TTN-AS1 (TTN antisense RNA 1; plus strand). Cytogenetic location: 2q31.2.
Variant type: single nucleotide variant.
Coding change: c.60918C>G on transcript NM_001267550.2 (MANE Select); coding-DNA position 60918, C replaced by G.
Protein change: p.Tyr20306Ter; replaces tyrosine 20306 with a stop codon.
Molecular consequence: nonsense.
Genome position (GRCh38, 1-based): chr2:178,590,807, G>C on the plus strand (C>G on the coding strand, the complement: TTN is on the minus strand). VCF-style: chr2-178590807-G-C. GRCh37 (hg19) VCF-style: chr2-179455534-G-C.
Other names: c.55995C>G, p.Tyr18665Ter (NM_001256850.1); c.33723C>G, p.Tyr11241Ter (NM_003319.4); c.53214C>G, p.Tyr17738Ter (NM_133378.4); c.34098C>G, p.Tyr11366Ter (NM_133432.3); c.34299C>G, p.Tyr11433Ter (NM_133437.4); short protein forms Y11433*, Y18665*, Y11241*, Y17738*, Y11366*, Y20306*.
Identifiers: ClinVar variation 2031959 (VCV002031959.4), dbSNP rs2469451911, ClinGen allele CA349478465.